The following is an entry in ClinVar:

NM_001939.3(DRP2):c.173G>A (p.Cys58Tyr)

Gene: DRP2 (dystrophin related protein 2; plus strand). Cytogenetic location: Xq22.1.
Variant type: single nucleotide variant.
Coding change: c.173G>A on transcript NM_001939.3 (MANE Select); coding-DNA position 173, G replaced by A.
Protein change: p.Cys58Tyr; replaces cysteine 58 with tyrosine.
Molecular consequence: missense variant. On other transcripts: 5 prime UTR variant (1).
Genome position (GRCh38, 1-based): chrX:101,235,915, G>A. VCF-style: chrX-101235915-G-A. GRCh37 (hg19) VCF-style: chrX-100490904-G-A.
Other names: c.-62G>A (NM_001171184.2); short protein forms C58Y.
Identifiers: ClinVar variation 1936331 (VCV001936331.6), dbSNP rs772399679, ClinGen allele CA10472021.

ClinVar aggregate classification (germline): Uncertain significance. Review status: criteria provided, multiple submitters, no conflicts (2 of 4 stars). 2 submissions from 2 submitters: Uncertain significance (2). Last evaluated 2025-08-13.

Allele frequency attached by ClinVar (database versions not stated): gnomAD 0.00001; ExAC 0.00002; TOPMed 0.00004; gnomAD exomes 0.00006.
gnomAD v4.1: 69 of 1,210,248 alleles (0.0057%); highest among the groups gnomAD compares: Non-Finnish European, 0.0073%; no homozygotes.

Submissions (2):

Labcorp Genetics (formerly Invitae), Labcorp
Classification: Uncertain significance. Last evaluated: 2025-08-13. Review status: criteria provided, single submitter. Criteria: Invitae Variant Classification Sherloc (09022015). Collection method: clinical testing. Allele origin: germline.
Comment: This sequence change replaces cysteine, which is neutral and slightly polar, with tyrosine, which is neutral and polar, at codon 58 of the DRP2 protein (p.Cys58Tyr). This variant is present in population databases (rs772399679, gnomAD 0.006%). This variant has not been reported in the literature in individuals affected with DRP2-related conditions. ClinVar contains an entry for this variant (Variation ID: 1936331). Invitae Evidence Modeling of protein sequence and biophysical properties (such as structural, functional, and spatial information, amino acid conservation, physicochemical variation, residue mobility, and thermodynamic stability) indicates that this missense variant is not expected to disrupt DRP2 protein function with a negative predictive value of 80%. In summary, the available evidence is currently insufficient to determine the role of this variant in disease. Therefore, it has been classified as a Variant of Uncertain Significance.

Ambry Genetics
Classification: Uncertain significance. Last evaluated: 2021-12-06. Review status: criteria provided, single submitter. Criteria: Ambry Variant Classification Scheme 2023. Collection method: clinical testing. Allele origin: germline.